The following is an entry in ClinVar:

NM_000077.5(CDKN2A):c.406G>A (p.Gly136Ser)

Gene: CDKN2A (cyclin dependent kinase inhibitor 2A; minus strand). Cytogenetic location: 9p21.3.
Variant type: single nucleotide variant.
Coding change: c.406G>A on transcript NM_000077.5; coding-DNA position 406, G replaced by A.
Protein change: p.Gly136Ser; replaces glycine 136 with serine.
Molecular consequence: missense variant (on NM_000077.6). On other transcripts: 3 prime UTR variant (2).
Genome position (GRCh38, 1-based): chr9:21,970,953, C>T on the plus strand (G>A on the coding strand, the complement: CDKN2A is on the minus strand). VCF-style: chr9-21970953-C-T. GRCh37 (hg19) VCF-style: chr9-21970952-C-T.
Other names: c.406G>A, p.Gly136Ser (NM_000077.6, NM_001195132.2); c.253G>A, p.Gly85Ser (NM_001363763.2); c.*50G>A (NM_058195.4); c.*329G>A (NM_058197.5); short protein forms G136S, G85S.
Identifiers: ClinVar variation 483342 (VCV000483342.18), dbSNP rs777840257, ClinGen allele CA5012162.
Genomic context (GRCh38, chr9:21,970,953, plus strand): 5'-AGTCCTCACCTGAGGGACCTTCCGCGGCATCTATGCGGGCATGGTTACTGCCTCTGGTGC[C>T]CCCCGCAGCCGCGCGCAGGTACCGTGCGACATCGCGATGGCCCAGCTCCTCAGCCAGGTC-3'
Protein context (NP_000068.1, residues 126-146): VARYLRAAAG[Gly136Ser]TRGSNHARID

ClinVar aggregate classification (germline): Uncertain significance. Review status: criteria provided, multiple submitters, no conflicts (2 of 4 stars). 3 submissions from 3 submitters: Uncertain significance (3). Last evaluated 2024-04-02.

Conditions:
Familial melanoma. Also called: Hereditary melanoma; Hereditary cutaneous melanoma. Identifiers: Orphanet 618, MedGen C1512419, MONDO:0018961.
Hereditary cancer-predisposing syndrome. Also called: Tumor predisposition; Hereditary Cancer Syndrome; Neoplastic Syndromes, Hereditary; Hereditary neoplastic syndrome. Identifiers: Orphanet 140162, MedGen C0027672, MeSH D009386, MONDO:0015356.

Allele frequency attached by ClinVar (database versions not stated): gnomAD exomes below 0.00001 and 0.00001; gnomAD 0.00001; ExAC 0.00002; 1000 Genomes Project 30x 0.00016.
gnomAD v4.1: 5 of 1,612,104 alleles (0.00031%); highest among the groups gnomAD compares: African/African-American, 0.0027%; no homozygotes.

Submissions (3):

GeneDx
Classification: Uncertain significance. Last evaluated: 2024-04-02. Review status: criteria provided, single submitter. Criteria: GeneDx Variant Classification Process June 2021. Collection method: clinical testing. Allele origin: germline. Affected: yes.
Comment: Not observed at significant frequency in large population cohorts (gnomAD); In silico analysis supports that this missense variant does not alter protein structure/function; Has not been previously published as a pathogenic or benign germline variant to our knowledge; This variant is associated with the following publications: (PMID: 19690981)

Labcorp Genetics (formerly Invitae), Labcorp
Classification: Uncertain significance for Familial melanoma. Last evaluated: 2023-11-20. Review status: criteria provided, single submitter. Criteria: Invitae Variant Classification Sherloc (09022015). Collection method: clinical testing. Allele origin: germline.
Comment: This sequence change replaces glycine, which is neutral and non-polar, with serine, which is neutral and polar, at codon 136 of the CDKN2A (p16INK4a) protein (p.Gly136Ser). This variant is present in population databases (rs777840257, gnomAD 0.002%). This variant has not been reported in the literature in individuals affected with CDKN2A (p16INK4a)-related conditions. ClinVar contains an entry for this variant (Variation ID: 483342). Algorithms developed to predict the effect of missense changes on protein structure and function output the following: SIFT: "Not Available"; PolyPhen-2: "Benign"; Align-GVGD: "Not Available". The serine amino acid residue is found in multiple mammalian species, which suggests that this missense change does not adversely affect protein function. In summary, the available evidence is currently insufficient to determine the role of this variant in disease. Therefore, it has been classified as a Variant of Uncertain Significance.

Ambry Genetics
Classification: Uncertain significance for Hereditary cancer-predisposing syndrome. Last evaluated: 2023-07-10. Review status: criteria provided, single submitter. Criteria: Ambry Variant Classification Scheme 2023. Collection method: clinical testing. Allele origin: germline.
Comment: The p.G136S variant (also known as c.406G>A), located in coding exon 2 of the CDKN2A gene, results from a G to A substitution at nucleotide position 406. The glycine at codon 136 is replaced by serine, an amino acid with similar properties. This amino acid position is poorly conserved in available vertebrate species. In addition, this alteration is predicted to be tolerated by in silico analysis. Since supporting evidence is limited at this time, the clinical significance of this alteration remains unclear.

Literature cited by the submitters: PubMed 19690981 (cited by Ambry Genetics).